The following is an entry in ClinVar:

NM_052845.4(MMAB):c.584+254A>G

Gene: MMAB (metabolism of cobalamin associated B; minus strand). Cytogenetic location: 12q24.11.
Variant type: single nucleotide variant.
Coding change: c.584+254A>G on transcript NM_052845.4 (MANE Select); 254 bases into the intron after coding-DNA position 584, A replaced by G.
Molecular consequence: intron variant.
Genome position (GRCh38, 1-based): chr12:109,560,786, T>C on the plus strand (A>G on the coding strand, the complement: MMAB is on the minus strand). VCF-style: chr12-109560786-T-C. GRCh37 (hg19) VCF-style: chr12-109998591-T-C.
Identifiers: ClinVar variation 680638 (VCV000680638.3), dbSNP rs2058805, ClinGen allele CA13632188.
Genomic context (GRCh38, chr12:109,560,786, plus strand): 5'-CAAACAAGGTGCAATTGTGTTGTCTGATAGTCTATTTGGTCACATGTCACTGTCTCCACT[T>C]CACAACATGGTGCTCTGAGGACAGGGACTTGGTCTGTCCTGGTCCCCGTCTGGCACAGTG-3'

ClinVar aggregate classification (germline): Benign. Review status: criteria provided, multiple submitters, no conflicts (2 of 4 stars). 2 submissions from 2 submitters: Benign (2). Last evaluated 2021-07-01.

Conditions:
Methylmalonic aciduria, cblB type (MACB). Also called: Methylmalonic acidemia cblB type; METHYLMALONIC ACIDURIA, VITAMIN B12-RESPONSIVE, DUE TO DEFECT IN SYNTHESIS OF ADENOSYLCOBALAMIN, cblB TYPE; Vitamin B12-responsive methylmalonic acidemia type cblB. Identifiers: Orphanet 28, Orphanet 79311, MedGen C1855102, MONDO:0009614, OMIM 251110.

Allele frequency attached by ClinVar (database versions not stated): 1000 Genomes Project 0.51857; 1000 Genomes Project 30x 0.52686; gnomAD 0.57020 and 0.58162; TOPMed 0.58467.
gnomAD v4.1: 86,755 of 152,076 alleles (57%); highest among the groups gnomAD compares: African/African-American, 74%; 25,851 homozygotes.

Submissions (2):

Pars Genome Lab
Classification: Benign for Methylmalonic aciduria, cblB type. Last evaluated: 2021-07-01. Review status: criteria provided, single submitter. Criteria: ACMG Guidelines, 2015. Collection method: clinical testing. Allele origin: germline. Affected: no.

GeneDx
Classification: Benign. Last evaluated: 2018-06-19. Review status: criteria provided, single submitter. Criteria: GeneDx Variant Classification (06012015). Collection method: clinical testing. Allele origin: germline. Affected: yes.
Comment: This variant is considered likely benign or benign based on one or more of the following criteria: it is a conservative change, it occurs at a poorly conserved position in the protein, it is predicted to be benign by multiple in silico algorithms, and/or has population frequency not consistent with disease.